The following is an entry in ClinVar:

NM_019098.5(CNGB3):c.1898A>G (p.Asp633Gly)

Gene: CNGB3 (cyclic nucleotide gated channel subunit beta 3; minus strand). Cytogenetic location: 8q21.3.
Variant type: single nucleotide variant.
Coding change: c.1898A>G on transcript NM_019098.5 (MANE Select); coding-DNA position 1898, A replaced by G.
Protein change: p.Asp633Gly; replaces aspartic acid 633 with glycine.
Molecular consequence: missense variant.
Genome position (GRCh38, 1-based): chr8:86,579,136, T>C on the plus strand (A>G on the coding strand, the complement: CNGB3 is on the minus strand). VCF-style: chr8-86579136-T-C. GRCh37 (hg19) VCF-style: chr8-87591364-T-C.
Other names: short protein forms D633G.
Identifiers: ClinVar variation 592343 (VCV000592343.24), dbSNP rs139337746, ClinGen allele CA4799871.

ClinVar aggregate classification (germline): Conflicting classifications of pathogenicity. Review status: criteria provided, conflicting classifications (1 of 4 stars). 8 submissions from 7 submitters: Uncertain significance (6); Likely benign (2). Last evaluated 2026-07-01.

Conditions:
CNGB3-related retinopathy. Also called: CNGB3 retinopathy. Identifiers: MedGen CN305596, MONDO:0100446.
CNGB3-related disorder. Also called: CNGB3-related disorders; CNGB3-related condition. Identifiers: MedGen CN239340.
Retinal dystrophy. Also called: Inherited retinal dystrophy. Identifiers: Orphanet 71862, MedGen C0854723, MeSH D058499, MONDO:0019118, HP:0000556.
Achromatopsia 3 (ACHM3). Also called: TOTAL COLORBLINDNESS WITH MYOPIA; ROD MONOCHROMACY 1; ROD MONOCHROMATISM 1; ACHROMATOPSIA WITH MYOPIA; PINGELAPESE BLINDNESS. Identifiers: Orphanet 49382, MedGen C1849792, MONDO:0009875, OMIM 262300.
Severe early-childhood-onset retinal dystrophy (STGD1). Also called: Stargardt macular dystrophy; Juvenile onset macular degeneration; Stargardt disease 1; STGD; MACULAR DYSTROPHY WITH FLECKS, TYPE 1. Identifiers: Orphanet 364055, Orphanet 827, MedGen C1855465, MeSH D000080362, MONDO:0009549, OMIM 248200.

Allele frequency attached by ClinVar (database versions not stated): ESP Exome Variant Server 0.00038; gnomAD exomes 0.00015; gnomAD 0.00019 and 0.00017; TOPMed 0.00020.
gnomAD v4.1: 268 of 1,614,160 alleles (0.017%); highest among the groups gnomAD compares: East Asian, 0.1%; no homozygotes.

Submissions (8):

PreventionGenetics, part of Exact Sciences
Classification: Uncertain significance for CNGB3-related condition. Last evaluated: 2026-07-01. Review status: criteria provided, single submitter. Criteria: ACMG Guidelines, 2015. Collection method: clinical testing. Allele origin: germline.
Comment: The CNGB3 c.1898A>G variant is predicted to result in the amino acid substitution p.Asp633Gly. This variant was reported in an individual with rod monochromacy and functional studies demonstrated that it resulted in a significant increase in the apparent affinity for cGMP, which may alter cone function (Okada et al. 2004. PubMed ID: 15223812). However, this variant is reported in 0.46% of alleles in individuals of Ashkenazi Jewish descent in gnomAD, which may be too frequent to be a primary cause of disease. This variant has conflicting interpretations in ClinVar ranging from likely benign to uncertain (ID: 592343). At this time, the clinical significance of this variant is uncertain due to the absence of conclusive functional and genetic information.

Labcorp Genetics (formerly Invitae), Labcorp
Classification: Likely benign. Last evaluated: 2026-01-19. Review status: criteria provided, single submitter. Criteria: Invitae Variant Classification Sherloc (09022015). Collection method: clinical testing. Allele origin: germline.

Blueprint Genetics
Classification: Likely benign. Last evaluated: 2024-08-26. Review status: criteria provided, single submitter. Criteria: ACMG Guidelines, 2015. Collection method: clinical testing. Allele origin: germline.

Department of Pathology and Laboratory Medicine, Sinai Health System
Classification: Uncertain significance for CNGB3-related retinopathy. Last evaluated: 2023-07-24. Review status: criteria provided, single submitter. Criteria: ACMG Guidelines, 2015. Collection method: research. Allele origin: germline.

Institute of Human Genetics, Univ. Regensburg, Univ. Regensburg
Classification: Uncertain significance for Retinal dystrophy. Last evaluated: 2022-01-01. Review status: criteria provided, single submitter. Criteria: ACMG Guidelines, 2015. Collection method: clinical testing. Allele origin: germline. Affected: yes.

Eurofins Ntd Llc (ga)
Classification: Uncertain significance. Last evaluated: 2018-03-20. Review status: criteria provided, single submitter. Criteria: EGL ClinVar v180209 classification definitions. Collection method: clinical testing. Allele origin: germline. Observed: 2 variant alleles, 2 heterozygotes.

Illumina Laboratory Services, Illumina
Classification: Uncertain significance for Achromatopsia 3. Last evaluated: 2017-04-27. Review status: criteria provided, single submitter. Criteria: ICSL Variant Classification Criteria 13 December 2019. Collection method: clinical testing. Allele origin: germline.
Comment: This variant was observed as part of a predisposition screen in an ostensibly healthy population. A literature search was performed for the gene, cDNA change, and amino acid change (where applicable). Publications were found based on this search. However, the evidence from the literature, in combination with allele frequency data from public databases where available, was not sufficient to rule this variant in or out of causing disease. Therefore, this variant is classified as a variant of unknown significance.

Illumina Laboratory Services, Illumina
Classification: Uncertain significance for Severe early-childhood-onset retinal dystrophy. Last evaluated: 2017-04-27. Review status: criteria provided, single submitter. Criteria: ICSL Variant Classification Criteria 13 December 2019. Collection method: clinical testing. Allele origin: germline.
Comment: the same text as in the submission from Illumina Laboratory Services, Illumina above.

Literature cited by the submitters: PubMed 15223812 (cited by Institute of Human Genetics, Univ. Regensburg, Univ. Regensburg and Illumina Laboratory Services, Illumina); PubMed 3442652 (cited by Institute of Human Genetics, Univ. Regensburg, Univ. Regensburg).